The following is an entry in ClinVar:

NM_005876.5(SPEG):c.3017G>A (p.Arg1006His)

Gene: SPEG (striated muscle enriched protein kinase; plus strand). Cytogenetic location: 2q35.
Variant type: single nucleotide variant.
Coding change: c.3017G>A on transcript NM_005876.5 (MANE Select); coding-DNA position 3017, G replaced by A.
Protein change: p.Arg1006His; replaces arginine 1006 with histidine.
Molecular consequence: missense variant.
Genome position (GRCh38, 1-based): chr2:219,467,309, G>A. VCF-style: chr2-219467309-G-A. GRCh37 (hg19) VCF-style: chr2-220332031-G-A.
Other names: c.3017G>A (NM_005876.4); short protein forms R1006H.
Identifiers: ClinVar variation 1443687 (VCV001443687.6), dbSNP rs571127512, ClinGen allele CA2126045.

ClinVar aggregate classification (germline): Uncertain significance. Review status: criteria provided, multiple submitters, no conflicts (2 of 4 stars). 3 submissions from 3 submitters: Uncertain significance (3). Last evaluated 2025-01-15.

Conditions:
Inborn genetic diseases. Identifiers: MedGen C0950123, MeSH D030342.

Allele frequency attached by ClinVar (database versions not stated): gnomAD exomes 0.00001; 1000 Genomes Project 0.00020; gnomAD 0.00005; 1000 Genomes Project 30x 0.00016; ExAC 0.00002; TOPMed 0.00005.
gnomAD v4.1: 31 of 1,610,792 alleles (0.0019%); highest among the groups gnomAD compares: Middle Eastern, 0.017%; no homozygotes.

Submissions (3):

Ambry Genetics
Classification: Uncertain significance for Inborn genetic diseases. Last evaluated: 2025-01-15. Review status: criteria provided, single submitter. Criteria: Ambry Variant Classification Scheme 2023. Collection method: clinical testing. Allele origin: germline.

Labcorp Genetics (formerly Invitae), Labcorp
Classification: Uncertain significance. Last evaluated: 2023-12-10. Review status: criteria provided, single submitter. Criteria: Invitae Variant Classification Sherloc (09022015). Collection method: clinical testing. Allele origin: germline.
Comment: This sequence change replaces arginine, which is basic and polar, with histidine, which is basic and polar, at codon 1006 of the SPEG protein (p.Arg1006His). This variant is present in population databases (rs571127512, gnomAD 0.008%). This variant has not been reported in the literature in individuals affected with SPEG-related conditions. ClinVar contains an entry for this variant (Variation ID: 1443687). An algorithm developed to predict the effect of missense changes on protein structure and function (PolyPhen-2) suggests that this variant¬†is likely to be tolerated. In summary, the available evidence is currently insufficient to determine the role of this variant in disease. Therefore, it has been classified as a Variant of Uncertain Significance.

Breakthrough Genomics
Classification: Uncertain significance. Review status: criteria provided, single submitter. Criteria: ACMG Guidelines, 2015. Collection method: not provided. Allele origin: germline. Inheritance: Autosomal recessive inheritance. Affected: yes.